The following is an entry in ClinVar:

ClinVar aggregate classification (germline): Uncertain significance (1 of 4 stars; one submission).

Conditions:
Christianson syndrome (MRXSCH). Also called: X-linked mental retardation, syndromic, Christianson type; INTELLECTUAL DEVELOPMENTAL DISORDER, X-LINKED, SYNDROMIC, CHRISTIANSON TYPE; SLC9A6-Related Syndromic Mental Retardation. Identifiers: Orphanet 85278, MedGen C2678194, MONDO:0010278, OMIM 300243.

Allele frequency attached by ClinVar (database versions not stated): gnomAD exomes below 0.00001; TOPMed 0.00001.
gnomAD v4.1: 1 of 1,179,203 alleles (0.000085%); highest among the groups gnomAD compares: Admixed American, 0.0022%; no homozygotes.

Submission:

Labcorp Genetics (formerly Invitae), Labcorp
Classification: Uncertain significance for Christianson syndrome. Last evaluated: 2025-09-07. Review status: criteria provided, single submitter. Criteria: Invitae Variant Classification Sherloc (09022015). Collection method: clinical testing. Allele origin: germline.
Comment: This sequence change falls in intron 15 of the SLC9A6 gene. It does not directly change the encoded amino acid sequence of the SLC9A6 protein. It affects a nucleotide within the consensus splice site. This variant is present in population databases (no rsID available, gnomAD 0.004%). This variant has not been reported in the literature in individuals affected with SLC9A6-related conditions. ClinVar contains an entry for this variant (Variation ID: 2913591). Variants that disrupt the consensus splice site are a relatively common cause of aberrant splicing (PMID: 17576681, 9536098). Algorithms developed to predict the effect of sequence changes on RNA splicing suggest that this variant may disrupt the consensus splice site. In summary, the available evidence is currently insufficient to determine the role of this variant in disease. Therefore, it has been classified as a Variant of Uncertain Significance.

Literature cited by the submitters: PubMed 17576681; PubMed 9536098.

NM_001379110.1(SLC9A6):c.1767+4A>G

Gene: SLC9A6 (solute carrier family 9 member A6; plus strand). Cytogenetic location: Xq26.3.
Variant type: single nucleotide variant.
Coding change: c.1767+4A>G on transcript NM_001379110.1 (MANE Select); 4 bases into the intron after coding-DNA position 1767, A replaced by G.
Molecular consequence: intron variant.
Genome position (GRCh38, 1-based): chrX:136,040,185, A>G. VCF-style: chrX-136040185-A-G. GRCh37 (hg19) VCF-style: chrX-135122344-A-G.
Other names: c.1677+4A>G (NM_001400909.1, NM_001400910.1, NM_001400911.1 and 2 more transcripts); c.1833+4A>G (NM_001042537.2); c.1737+4A>G (NM_006359.3); c.1581+4A>G (NM_001400913.1, NM_001330652.2).
Identifiers: ClinVar variation 2913591 (VCV002913591.3), dbSNP rs1556622382, ClinGen allele CA644625884.
Genomic context (GRCh38, chrX:136,040,185, plus strand): 5'-CTCCCTGCCTGCTGTGGACCCATCGCCAGGTGCCTCACCAGCCCCCAGGCTTACGAAGTA[A>G]GTTGGTTTTATCCAAAACTAAATTCTTCAGTAAGTTAAATTTATCTGCTCTGTGGATGAG-3'